The following is an entry in ClinVar:

ClinVar aggregate classification (germline): Uncertain significance (1 of 4 stars; one submission).

Conditions:
Lower motor neuron syndrome with late-adult onset (SMAJ). Also called: Late-Onset Spinal Motor Neuronopathy (SMAJ); Spinal muscular atrophy, Jokela type. Identifiers: Orphanet 276435, MedGen C3554398, MONDO:0014025, OMIM 615048.
Autosomal dominant mitochondrial myopathy with exercise intolerance (IMMD). Also called: Myopathy, isolated mitochondrial, autosomal dominant. Identifiers: Orphanet 457050, MedGen C4015513, MONDO:0014532, OMIM 616209.
Frontotemporal dementia and/or amyotrophic lateral sclerosis 2. Also called: FTDALS2. Identifiers: Orphanet 275872, MedGen C4014648, MONDO:0014395, OMIM 615911.

gnomAD v4.1: 3 of 1,601,366 alleles (0.00019%); highest among the groups gnomAD compares: African/African-American, 0.004%; no homozygotes.

Submission:

Labcorp Genetics (formerly Invitae), Labcorp
Classification: Uncertain significance for Lower motor neuron syndrome with late-adult onset; Frontotemporal dementia and/or amyotrophic lateral sclerosis 2; Autosomal dominant mitochondrial myopathy with exercise intolerance. Last evaluated: 2024-05-01. Review status: criteria provided, single submitter. Criteria: Invitae Variant Classification Sherloc (09022015). Collection method: clinical testing. Allele origin: germline.
Comment: This sequence change replaces valine, which is neutral and non-polar, with methionine, which is neutral and non-polar, at codon 61 of the CHCHD10 protein (p.Val61Met). This variant is not present in population databases (gnomAD no frequency). This variant has not been reported in the literature in individuals affected with CHCHD10-related conditions. An algorithm developed to predict the effect of missense changes on protein structure and function (PolyPhen-2) suggests that this variant is likely to be tolerated. In summary, the available evidence is currently insufficient to determine the role of this variant in disease. Therefore, it has been classified as a Variant of Uncertain Significance.

NM_213720.3(CHCHD10):c.181G>A (p.Val61Met)

Gene: CHCHD10 (coiled-coil-helix-coiled-coil-helix domain containing 10; minus strand). Cytogenetic location: 22q11.23.
Variant type: single nucleotide variant.
Coding change: c.181G>A on transcript NM_213720.3 (MANE Select); coding-DNA position 181, G replaced by A.
Protein change: p.Val61Met; replaces valine 61 with methionine.
Molecular consequence: missense variant. On other transcripts: non-coding transcript variant (1).
Genome position (GRCh38, 1-based): chr22:23,767,454, C>T on the plus strand (G>A on the coding strand, the complement: CHCHD10 is on the minus strand). VCF-style: chr22-23767454-C-T. GRCh37 (hg19) VCF-style: chr22-24109641-C-T.
Other names: c.181G>A, p.Val61Met (NM_001301339.2); short protein forms V61M.
Identifiers: ClinVar variation 3751090 (VCV003751090.2).